The following is an entry in ClinVar:

ClinVar aggregate classification (germline): Uncertain significance. Review status: criteria provided, multiple submitters, no conflicts (2 of 4 stars). 2 submissions from 2 submitters: Uncertain significance (2). Last evaluated 2026-01-17.

gnomAD v4.1: 1 of 1,614,092 alleles (0.000062%); highest among the groups gnomAD compares: Non-Finnish European, 0.000085%; no homozygotes.

Submissions (2):

Ambry Genetics
Classification: Uncertain significance. Last evaluated: 2026-01-17. Review status: criteria provided, single submitter. Criteria: Ambry Variant Classification Scheme 2023. Collection method: clinical testing. Allele origin: germline.
Comment: The p.P644L variant (also known as c.1931C>T), located in coding exon 19 of the SRP72 gene, results from a C to T substitution at nucleotide position 1931. The proline at codon 644 is replaced by leucine, an amino acid with similar properties. This amino acid position is conserved. In addition, the in silico prediction for this alteration is inconclusive. Based on the available evidence, the clinical significance of this variant remains unclear.

Labcorp Genetics (formerly Invitae), Labcorp
Classification: Uncertain significance. Last evaluated: 2025-01-23. Review status: criteria provided, single submitter. Criteria: Invitae Variant Classification Sherloc (09022015). Collection method: clinical testing. Allele origin: germline.
Comment: This sequence change replaces proline, which is neutral and non-polar, with leucine, which is neutral and non-polar, at codon 644 of the SRP72 protein (p.Pro644Leu). This variant is not present in population databases (gnomAD no frequency). This variant has not been reported in the literature in individuals affected with SRP72-related conditions. An algorithm developed to predict the effect of missense changes on protein structure and function (PolyPhen-2) suggests that this variant is likely to be disruptive. In summary, the available evidence is currently insufficient to determine the role of this variant in disease. Therefore, it has been classified as a Variant of Uncertain Significance.

NM_006947.4(SRP72):c.1931C>T (p.Pro644Leu)

Gene: SRP72 (signal recognition particle 72; plus strand). Cytogenetic location: 4q12.
Variant type: single nucleotide variant.
Coding change: c.1931C>T on transcript NM_006947.4 (MANE Select); coding-DNA position 1931, C replaced by T.
Protein change: p.Pro644Leu; replaces proline 644 with leucine.
Molecular consequence: missense variant. On other transcripts: non-coding transcript variant (1).
Genome position (GRCh38, 1-based): chr4:56,501,776, C>T. VCF-style: chr4-56501776-C-T. GRCh37 (hg19) VCF-style: chr4-57367942-C-T.
Other names: c.1931C>T (NM_006947.3); c.1748C>T, p.Pro583Leu (NM_001267722.2); short protein forms P583L, P644L.
Identifiers: ClinVar variation 3727404 (VCV003727404.3).